The following is an entry in ClinVar:

NM_000392.5(ABCC2):c.3542G>A (p.Arg1181Gln)

Gene: ABCC2 (ATP binding cassette subfamily C member 2; plus strand). Cytogenetic location: 10q24.2.
Variant type: single nucleotide variant.
Coding change: c.3542G>A on transcript NM_000392.5 (MANE Select); coding-DNA position 3542, G replaced by A.
Protein change: p.Arg1181Gln; replaces arginine 1181 with glutamine.
Molecular consequence: missense variant.
Genome position (GRCh38, 1-based): chr10:99,836,218, G>A. VCF-style: chr10-99836218-G-A. GRCh37 (hg19) VCF-style: chr10-101595975-G-A.
Other names: c.3542G>A (NM_000392.4); short protein forms R1181Q.
Identifiers: ClinVar variation 879487 (VCV000879487.6), dbSNP rs8187692, ClinGen allele CA5643842.

ClinVar aggregate classification (germline): Uncertain significance. Review status: criteria provided, multiple submitters, no conflicts (2 of 4 stars). 3 submissions from 3 submitters: Uncertain significance (3). Last evaluated 2026-06-08.

Conditions:
ABCC2-related disorder. Also called: ABCC2-related condition.
Dubin-Johnson syndrome (DJS). Also called: HYPERBILIRUBINEMIA, DUBIN-JOHNSON TYPE; Jaundice, Chronic Idiopathic; Hyperbilirubinemia type 2. Identifiers: Orphanet 234, MedGen C0022350, MONDO:0009380, OMIM 237500.

Allele frequency attached by ClinVar (database versions not stated): TOPMed 0.00035.
gnomAD v4.1: 661 of 1,614,030 alleles (0.041%); highest among the groups gnomAD compares: Non-Finnish European, 0.051%; no homozygotes.

Submissions (3):

PreventionGenetics, part of Exact Sciences
Classification: Uncertain significance for ABCC2-related condition. Last evaluated: 2026-06-08. Review status: criteria provided, single submitter. Criteria: ACMG Guidelines, 2015. Collection method: clinical testing. Allele origin: germline.
Comment: The ABCC2 c.3542G>A variant is predicted to result in the amino acid substitution p.Arg1181Gln. To our knowledge, this variant has not been reported in the literature. This variant is reported in 0.067% of alleles in individuals of European (Non-Finnish) descent in gnomAD, which may be too common to be an undocumented cause of disease. Although we suspect that this variant may be benign, at this time, the clinical significance of this variant is uncertain due to the absence of conclusive functional and genetic evidence.

Labcorp Genetics (formerly Invitae), Labcorp
Classification: Uncertain significance. Last evaluated: 2025-10-24. Review status: criteria provided, single submitter. Criteria: Invitae Variant Classification Sherloc (09022015). Collection method: clinical testing. Allele origin: germline.
Comment: This sequence change replaces arginine, which is basic and polar, with glutamine, which is neutral and polar, at codon 1181 of the ABCC2 protein (p.Arg1181Gln). This variant is present in population databases (rs8187692, gnomAD 0.07%). This variant has not been reported in the literature in individuals affected with ABCC2-related conditions. ClinVar contains an entry for this variant (Variation ID: 879487). Invitae Evidence Modeling of protein sequence and biophysical properties (such as structural, functional, and spatial information, amino acid conservation, physicochemical variation, residue mobility, and thermodynamic stability) indicates that this missense variant is not expected to disrupt ABCC2 protein function with a negative predictive value of 80%. In summary, the available evidence is currently insufficient to determine the role of this variant in disease. Therefore, it has been classified as a Variant of Uncertain Significance.

Illumina Laboratory Services, Illumina
Classification: Uncertain significance for Dubin-Johnson syndrome. Last evaluated: 2017-04-27. Review status: criteria provided, single submitter. Criteria: ICSL Variant Classification Criteria 13 December 2019. Collection method: clinical testing. Allele origin: germline.